The following is an entry in ClinVar:

ClinVar aggregate classification (germline): Uncertain significance. Review status: criteria provided, multiple submitters, no conflicts (2 of 4 stars). 2 submissions from 2 submitters: Uncertain significance (2). Last evaluated 2026-03-27.

Conditions:
Tuberous sclerosis 2 (TSC2). Identifiers: Orphanet 805, MedGen C1860707, MONDO:0013199, OMIM 613254.

Submissions (2):

GeneDx
Classification: Uncertain significance. Last evaluated: 2026-03-27. Review status: criteria provided, single submitter. Criteria: GeneDx Variant Classification Process June 2021. Collection method: clinical testing. Allele origin: germline.
Comment: Not observed at significant frequency in large population cohorts (gnomAD); In silico analysis supports that this missense variant has a deleterious effect on protein structure/function; Has not been previously published as pathogenic or benign to our knowledge

Labcorp Genetics (formerly Invitae), Labcorp
Classification: Uncertain significance for Tuberous sclerosis 2. Last evaluated: 2024-06-04. Review status: criteria provided, single submitter. Criteria: Invitae Variant Classification Sherloc (09022015). Collection method: clinical testing. Allele origin: germline.
Comment: This sequence change replaces lysine, which is basic and polar, with threonine, which is neutral and polar, at codon 1739 of the TSC2 protein (p.Lys1739Thr). This variant is not present in population databases (gnomAD no frequency). This variant has not been reported in the literature in individuals affected with TSC2-related conditions. ClinVar contains an entry for this variant (Variation ID: 1058272). Advanced modeling of protein sequence and biophysical properties (such as structural, functional, and spatial information, amino acid conservation, physicochemical variation, residue mobility, and thermodynamic stability) performed at Invitae indicates that this missense variant is not expected to disrupt TSC2 protein function with a negative predictive value of 95%. In summary, the available evidence is currently insufficient to determine the role of this variant in disease. Therefore, it has been classified as a Variant of Uncertain Significance.

NM_000548.5(TSC2):c.5216A>C (p.Lys1739Thr)

Gene: TSC2 (TSC complex subunit 2; plus strand). Cytogenetic location: 16p13.3.
Variant type: single nucleotide variant.
Coding change: c.5216A>C on transcript NM_000548.5 (MANE Select); coding-DNA position 5216, A replaced by C.
Protein change: p.Lys1739Thr; replaces lysine 1739 with threonine.
Molecular consequence: missense variant.
Genome position (GRCh38, 1-based): chr16:2,088,282, A>C. VCF-style: chr16-2088282-A-C. GRCh37 (hg19) VCF-style: chr16-2138283-A-C.
Other names: c.5015A>C, p.Lys1672Thr (NM_001077183.3); c.5147A>C, p.Lys1716Thr (NM_001114382.3); c.4907A>C, p.Lys1636Thr (NM_001318827.2); c.4871A>C, p.Lys1624Thr (NM_001318829.2); c.4484A>C, p.Lys1495Thr (NM_001318831.2); c.5048A>C, p.Lys1683Thr (NM_001318832.2); c.5018A>C, p.Lys1673Thr (NM_001363528.2); c.5084A>C, p.Lys1695Thr (NM_001370404.1); and 3 more; short protein forms K1495T, K1624T, K1636T, K1672T, K1673T, K1683T, K1692T, K1695T.
Identifiers: ClinVar variation 1058272 (VCV001058272.10), dbSNP rs2151630716, ClinGen allele CA394314418.
Genomic context (GRCh38, chr16:2,088,282, plus strand): 5'-CCCAGATGGCCTCACAGGTGCATCATAGCCGCTCCAACCCCACCGATATCTACCCCTCCA[A>C]GTGGATTGCCCGGCTCCGCCACATCAAGCGGCTCCGCCAGCGGGTAGGGAATATGGGGCT-3'
Protein context (NP_000539.2, residues 1729-1749): RSNPTDIYPS[Lys1739Thr]WIARLRHIKR